The following is an entry in ClinVar:

ClinVar aggregate classification (germline): Pathogenic (1 of 4 stars; one submission).

Conditions:
Hyperammonemia, type III (NAGSD). Also called: Hyperammonemia due to N-acetylglutamate synthase deficiency. Identifiers: Orphanet 927, MedGen C0268543, MONDO:0009377, OMIM 237310.

Submission:

Labcorp Genetics (formerly Invitae), Labcorp
Classification: Pathogenic for Hyperammonemia, type III. Last evaluated: 2024-01-08. Review status: criteria provided, single submitter. Criteria: Invitae Variant Classification Sherloc (09022015). Collection method: clinical testing. Allele origin: germline.
Comment: This sequence change creates a premature translational stop signal (p.Gly219Trpfs*77) in the NAGS gene. It is expected to result in an absent or disrupted protein product. Loss-of-function variants in NAGS are known to be pathogenic (PMID: 12594532). The frequency data for this variant in the population databases is considered unreliable, as metrics indicate poor data quality at this position in the gnomAD database. This variant has not been reported in the literature in individuals affected with NAGS-related conditions. For these reasons, this variant has been classified as Pathogenic.

Literature cited by the submitters: PubMed 12594532.

NM_153006.3(NAGS):c.654dup (p.Gly219fs)

Gene: NAGS (N-acetylglutamate synthase; plus strand). Cytogenetic location: 17q21.31.
Variant type: Duplication.
Coding change: c.654dup on transcript NM_153006.3 (MANE Select); coding-DNA position 654, one base duplicated (T; older notation c.654dupT).
Protein change: p.Gly219fs; shifts the reading frame from glycine 219.
Molecular consequence: frameshift variant.
Genome position (GRCh38, 1-based): chr17:44,005,864, T duplicated; the last of 6 consecutive T bases (chr17:44,005,859-44,005,864); duplicating any one gives the same sequence. VCF-style (leftmost placement, unchanged base first): chr17-44005858-A-AT. GRCh37 (hg19) VCF-style: chr17-42083226-A-AT.
Other names: short protein forms G219fs.
Identifiers: ClinVar variation 2676924 (VCV002676924.5), dbSNP rs1256337877, ClinGen allele CA626222552.
Genomic context (GRCh38, chr17:44,005,858, plus strand): 5'-GGCCAAGAGCTGCAAGGTGCTGGTAGACGCGCTTCGACACAACGCCGCCGCTGCTGTGCC[A>AT]TTTTTTGGCGGCGGGTCTGTGCTACGCGCTGCCGAGCCGGCTCCCCATGCCAGGTGAGTG-3'